The following is an entry in ClinVar:

ClinVar aggregate classification (germline): Pathogenic. Review status: criteria provided, multiple submitters, no conflicts (2 of 4 stars). 9 submissions from 9 submitters: Pathogenic (8). 1 of the submissions does not count toward it. Last evaluated 2025-08-25.

Conditions:
Inborn genetic diseases. Identifiers: MedGen C0950123, MeSH D030342.
TUBB3-related disorder. Also called: TUBB3-related condition; TUBB3-related disorders.
Fibrosis of extraocular muscles, congenital, 3A, with or without extraocular involvement. Also called: CONGENITAL FIBROSIS OF EXTRAOCULAR MUSCLES 3A; FEOM3 LOCUS. Identifiers: MedGen C2748801, MONDO:0010912, OMIM 600638.
Complex cortical dysplasia with other brain malformations 1. Identifiers: Orphanet 300570, MedGen C3808397, MONDO:0013541, OMIM 614039.

Submissions (9):

Daryl Scott Lab, Baylor College of Medicine
Classification: Pathogenic for TUBB3-related disorder. Last evaluated: 2025-08-25. Review status: criteria provided, single submitter. Criteria: ACMG Guidelines, 2015. Collection method: clinical testing. Allele origin: unknown. Affected: yes. Observed: 1 heterozygote.
Comment: PS2, PS3, PS4, PM2, PP3

Labcorp Genetics (formerly Invitae), Labcorp
Classification: Pathogenic. Last evaluated: 2024-07-08. Review status: criteria provided, single submitter. Criteria: Invitae Variant Classification Sherloc (09022015). Collection method: clinical testing. Allele origin: germline.
Comment: This sequence change replaces arginine, which is basic and polar, with cysteine, which is neutral and slightly polar, at codon 380 of the TUBB3 protein (p.Arg380Cys). This variant is not present in population databases (gnomAD no frequency). This missense change has been observed in individual(s) with congenital fibrosis of the extraocular muscles and/or cortical dysplasia (PMID: 20074521, 25131622). In at least one individual the variant was observed to be de novo. ClinVar contains an entry for this variant (Variation ID: 219257). Advanced modeling of protein sequence and biophysical properties (such as structural, functional, and spatial information, amino acid conservation, physicochemical variation, residue mobility, and thermodynamic stability) performed at Invitae indicates that this missense variant is expected to disrupt TUBB3 protein function with a positive predictive value of 80%. Experimental studies have shown that this missense change affects TUBB3 function (PMID: 20074521). For these reasons, this variant has been classified as Pathogenic.

GeneDx
Classification: Pathogenic. Last evaluated: 2023-06-15. Review status: criteria provided, single submitter. Criteria: GeneDx Variant Classification Process June 2021. Collection method: clinical testing. Allele origin: germline. Affected: yes.
Comment: Functional studies indicate that R380C impacts microtubule dynamics (Tischfield et al., 2010); Missense variants in this gene are often considered pathogenic (HGMD); In silico analysis supports that this missense variant has a deleterious effect on protein structure/function; Not observed in large population cohorts (gnomAD); This variant is associated with the following publications: (PMID: 32573066, 26934450, 23503589, 20074521, 25131622, 28677066, 31226147, 32169460, 26639658, 28412269, 31574570, 33144682, 20829227)

Greenwood Genetic Center Diagnostic Laboratories, Greenwood Genetic Center
Classification: Pathogenic for Fibrosis of extraocular muscles, congenital, 3A, with or without extraocular involvement. Last evaluated: 2022-01-25. Review status: criteria provided, single submitter. Criteria: ACMG Guidelines, 2015. Collection method: clinical testing. Allele origin: germline. Affected: yes.
Comment: PS4, PS3_Moderate, PM6, PM2, PP2, PP3

Victorian Clinical Genetics Services, Murdoch Childrens Research Institute
Classification: Pathogenic for Complex cortical dysplasia with other brain malformations 1. Last evaluated: 2020-06-11. Review status: criteria provided, single submitter. Criteria: ACMG Guidelines, 2015. Collection method: clinical testing. Allele origin: germline. Inheritance: Autosomal dominant inheritance. Affected: yes.
Comment: Based on the classification scheme VCGS_Germline_v1.1.1, this variant is classified as 5-Pathogenic. Following criteria are met: 0102 - Loss-of-function is a known mechanism of disease for this gene. (N) 0107 - This gene is known to be associated with autosomal dominant cortical dysplasia. (N) 0200 - Variant is predicted to result in a missense amino acid change from arginine to cysteine. (N) 0251 - Variant is heterozygous. (N) 0301 - Variant is absent from gnomAD. (P) 0501 - Missense variant consistently predicted to be damaging by multiple in silico tools and is highly conserved with a major amino acid change. (P) 0600 - Variant is located in C-terminal domain (Protein Data Bank). (N) 0705 - No comparable variants have previous evidence for pathogenicity. (N) 0801 - Strong previous evidence of pathogenicity in unrelated individuals (PMIDs: 20074521; 25131622; 28677066). (P) 0905 - No segregation evidence has been identified for this variant. (N) 1002 - Moderate functional evidence supporting abnormal protein function (PMID: 20074521). (P) 1102 - Strong phenotype match. (P) 1208 - Inheritance information for this variant is not currently available. (N) Legend: (P) - Pathogenic, (N) - Neutral, (B) - Benign

Ambry Genetics
Classification: Pathogenic for Inborn genetic diseases. Last evaluated: 2018-10-11. Review status: criteria provided, single submitter. Criteria: Ambry exome assertion method (8-5-2015). Collection method: clinical testing. Allele origin: germline. Affected: yes. Observed: 1 variant allele.

Clinical Biomedical Laboratory, Shriners Hospital For Children - Canada
Classification: Pathogenic for Fibrosis of extraocular muscles, congenital, 3A, with or without extraocular involvement. Review status: criteria provided, single submitter. Criteria: ACMG Guidelines, 2015. Collection method: clinical testing. Allele origin: germline. Affected: yes.
Comment: This variant is predicted to substitute an arginine residue by a cysteine residue in tubulin beta III. This variant is absent from general population databases (Genome Aggregation Database v2.1.1), indicating it is rare. This variant has been reported in the literature backed by functional studies (PMID: 20074521). Pathogenic variants in TUBB3 are associated with the autosomal dominant disorders Complex Cortical Dysplasia with Other Brain Malformations 1 (OMIM 614039) and Fibrosis of Extraocular Muscles, Congenital, 3A (OMIM 600638), which corresponds to the clinical phenotype of the proband. Based on the ACMG variant interpretation guidelines, the available evidence supports classification of this variant as pathogenic.

Kasturba Medical College, Manipal, Kasturba Medical College, Manipal, Manipal Academy of Higher Education, Manipal, India
Classification: Pathogenic for Complex cortical dysplasia with other brain malformations 1. Review status: criteria provided, single submitter. Criteria: ACMG Guidelines, 2015. Collection method: research. Allele origin: de novo. Affected: yes.

GeneReviews
No classification provided. Condition: Fibrosis of extraocular muscles, congenital, 3A, with or without extraocular involvement. Review status: no classification provided. Collection method: literature only. Allele origin: germline. Not counted in ClinVar's aggregate classification.

Literature cited by the submitters: PubMed 20074521 (cited by 4 submitters); PubMed 25131622 (cited by Labcorp Genetics (formerly Invitae), Labcorp and Victorian Clinical Genetics Services, Murdoch Childrens Research Institute); PubMed 28677066 (cited by Victorian Clinical Genetics Services, Murdoch Childrens Research Institute); PubMed 20301522 (cited by GeneReviews).

NM_006086.4(TUBB3):c.1138C>T (p.Arg380Cys)

Gene: TUBB3 (tubulin beta 3 class III; plus strand). Cytogenetic location: 16q24.3.
Variant type: single nucleotide variant.
Coding change: c.1138C>T on transcript NM_006086.4 (MANE Select); coding-DNA position 1138, C replaced by T.
Protein change: p.Arg380Cys; replaces arginine 380 with cysteine.
Molecular consequence: missense variant.
Genome position (GRCh38, 1-based): chr16:89,935,589, C>T. VCF-style: chr16-89935589-C-T. GRCh37 (hg19) VCF-style: chr16-90001997-C-T.
Other names: c.922C>T, p.Arg308Cys (NM_001197181.2); short protein forms R308C, R380C.
Identifiers: ClinVar variation 219257 (VCV000219257.20), dbSNP rs864321717, ClinGen allele CA347967.
Genomic context (GRCh38, chr16:89,935,589, plus strand): 5'-GGCCTCAAGATGTCCTCCACCTTCATCGGGAACAGCACGGCCATCCAGGAGCTGTTCAAG[C>T]GCATCTCCGAGCAGTTCACGGCCATGTTCCGGCGCAAGGCCTTCCTGCACTGGTACACGG-3'
Protein context (NP_006077.2, residues 370-390): NSTAIQELFK[Arg380Cys]ISEQFTAMFR